The following is an entry in ClinVar:

ClinVar aggregate classification (germline): Uncertain significance (1 of 4 stars; one submission).

Conditions:
Nephronophthisis. Also called: Juvenile Nephronophthisis. Identifiers: Orphanet 655, MedGen C0687120, MONDO:0019005, HP:0000090.

Allele frequency attached by ClinVar (database versions not stated): gnomAD exomes below 0.00001; TOPMed below 0.00001; ExAC 0.00001.
gnomAD v4.1: 1 of 1,613,850 alleles (0.000062%); highest among the groups gnomAD compares: East Asian, 0.0022%; no homozygotes.

Submission:

Labcorp Genetics (formerly Invitae), Labcorp
Classification: Uncertain significance for Nephronophthisis. Last evaluated: 2025-04-14. Review status: criteria provided, single submitter. Criteria: Invitae Variant Classification Sherloc (09022015). Collection method: clinical testing. Allele origin: germline.
Comment: This sequence change replaces leucine, which is neutral and non-polar, with proline, which is neutral and non-polar, at codon 202 of the NPHP4 protein (p.Leu202Pro). This variant is present in population databases (rs758798813, gnomAD 0.006%). This variant has not been reported in the literature in individuals affected with NPHP4-related conditions. ClinVar contains an entry for this variant (Variation ID: 848551). Invitae Evidence Modeling of protein sequence and biophysical properties (such as structural, functional, and spatial information, amino acid conservation, physicochemical variation, residue mobility, and thermodynamic stability) indicates that this missense variant is expected to disrupt NPHP4 protein function with a positive predictive value of 80%. In summary, the available evidence is currently insufficient to determine the role of this variant in disease. Therefore, it has been classified as a Variant of Uncertain Significance.

NM_015102.5(NPHP4):c.605T>C (p.Leu202Pro)

Gene: NPHP4 (nephrocystin 4; minus strand). Cytogenetic location: 1p36.31.
Variant type: single nucleotide variant.
Coding change: c.605T>C on transcript NM_015102.5 (MANE Select); coding-DNA position 605, T replaced by C.
Protein change: p.Leu202Pro; replaces leucine 202 with proline.
Molecular consequence: missense variant. On other transcripts: 5 prime UTR variant (2), non-coding transcript variant (1).
Genome position (GRCh38, 1-based): chr1:5,961,862, A>G on the plus strand (T>C on the coding strand, the complement: NPHP4 is on the minus strand). VCF-style: chr1-5961862-A-G. GRCh37 (hg19) VCF-style: chr1-6021922-A-G.
Other names: c.-625T>C (NM_001291593.2); c.-762T>C (NM_001291594.2); short protein forms L202P.
Identifiers: ClinVar variation 848551 (VCV000848551.9), dbSNP rs758798813, ClinGen allele CA554792.